The following is an entry in ClinVar:

ClinVar aggregate classification (germline): Uncertain significance (1 of 4 stars; one submission).

Conditions:
Dystonia 12 (DYT12). Also called: Rapid-Onset Dystonia-Parkinsonism (RDP); DYT-ATP1A3. Identifiers: Orphanet 71517, MedGen C1868681, MONDO:0007496, OMIM 128235.

Allele frequency attached by ClinVar (database versions not stated): TOPMed below 0.00001.

Submission:

Labcorp Genetics (formerly Invitae), Labcorp
Classification: Uncertain significance for Dystonia 12. Last evaluated: 2025-06-18. Review status: criteria provided, single submitter. Criteria: Invitae Variant Classification Sherloc (09022015). Collection method: clinical testing. Allele origin: germline.
Comment: This sequence change replaces alanine, which is neutral and non-polar, with valine, which is neutral and non-polar, at codon 441 of the ATP1A3 protein (p.Ala441Val). This variant is not present in population databases (gnomAD no frequency). This variant has not been reported in the literature in individuals affected with ATP1A3-related conditions. ClinVar contains an entry for this variant (Variation ID: 1010693). Invitae Evidence Modeling of protein sequence and biophysical properties (such as structural, functional, and spatial information, amino acid conservation, physicochemical variation, residue mobility, and thermodynamic stability) indicates that this missense variant is expected to disrupt ATP1A3 protein function with a positive predictive value of 95%. In summary, the available evidence is currently insufficient to determine the role of this variant in disease. Therefore, it has been classified as a Variant of Uncertain Significance.

NM_152296.5(ATP1A3):c.1322C>T (p.Ala441Val)

Gene: ATP1A3 (ATPase Na+/K+ transporting subunit alpha 3; minus strand). Cytogenetic location: 19q13.2.
Variant type: single nucleotide variant.
Coding change: c.1322C>T on transcript NM_152296.5 (MANE Select); coding-DNA position 1322, C replaced by T.
Protein change: p.Ala441Val; replaces alanine 441 with valine.
Molecular consequence: missense variant.
Genome position (GRCh38, 1-based): chr19:41,981,617, G>A on the plus strand (C>T on the coding strand, the complement: ATP1A3 is on the minus strand). VCF-style: chr19-41981617-G-A. GRCh37 (hg19) VCF-style: chr19-42485769-G-A.
Other names: c.1355C>T, p.Ala452Val (NM_001256213.2); c.1361C>T, p.Ala454Val (NM_001256214.2); short protein forms A441V, A452V, A454V.
Identifiers: ClinVar variation 1010693 (VCV001010693.6), dbSNP rs2075232659, ClinGen allele CA406049906.